The following is an entry in ClinVar:

NM_007294.4(BRCA1):c.880_884del (p.Lys294fs)

Gene: BRCA1 (BRCA1 DNA repair associated; minus strand). Cytogenetic location: 17q21.31.
Variant type: Deletion.
Coding change: c.880_884del on transcript NM_007294.4 (MANE Select); coding-DNA positions 880 to 884, 5 bases deleted (AAAGA; older notation c.880_884delAAAGA).
Protein change: p.Lys294fs; shifts the reading frame from lysine 294.
Molecular consequence: frameshift variant. On other transcripts: 5 prime UTR variant (2), intron variant (137).
Genome position (GRCh38, 1-based): chr17:43,094,647-43,094,651, TCTTT deleted on the plus strand (AAAGA on the coding strand, the reverse complement: BRCA1 is on the minus strand). VCF-style (leftmost placement, unchanged base first): chr17-43094646-GTCTTT-G. GRCh37 (hg19) VCF-style: chr17-41246663-GTCTTT-G.
Other names: c.877_881del, p.Lys293fs (NM_001407614.1, NM_001407615.1, NM_001407632.1 and 22 more transcripts); c.880_884del, p.Lys294fs (NM_001407616.1, NM_001407617.1, NM_001407618.1 and 30 more transcripts); c.802_806del, p.Lys268fs (NM_001407653.1, NM_001407654.1, NM_001407655.1 and 4 more transcripts); c.799_803del, p.Lys267fs (NM_001407659.1, NM_001407660.1, NM_001407661.1 and 1 more transcripts); c.754_758del, p.Lys252fs (NM_001407671.1, NM_001407672.1, NM_001407673.1 and 11 more transcripts); c.757_761del, p.Lys253fs (NM_001407674.1, NM_001407675.1, NM_001407676.1 and 19 more transcripts); c.739_743del, p.Lys247fs (NM_001407692.1, NM_001407694.1, NM_001407695.1 and 29 more transcripts); c.736_740del, p.Lys246fs (NM_001407740.1, NM_001407741.1, NM_001407742.1 and 20 more transcripts); and 40 more; short protein forms K247fs, K294fs, K126fs, K166fs, K167fs, K226fs, K206fs, K205fs.
Identifiers: ClinVar variation 431202 (VCV000431202.2), dbSNP rs1135401838, ClinGen allele CA645373197.

ClinVar aggregate classification (germline): Pathogenic. Review status: reviewed by expert panel (3 of 4 stars). 2 submissions from 2 submitters: Pathogenic (1). 1 of the submissions does not count toward it. Last evaluated 2017-12-15.

Conditions:
Hereditary breast ovarian cancer syndrome. Also called: Hereditary breast and ovarian cancer syndrome (HBOC); BRCA1- and BRCA2-Associated Hereditary Breast and Ovarian Cancer; Hereditary breast and/or ovarian cancer syndrome; Hereditary breast and ovarian cancer syndrome; Hereditary breast and ovarian cancer; Breast and ovarian cancer. Identifiers: Orphanet 145, MedGen C0677776, MeSH D061325, MONDO:0003582. Disease mechanism: loss of function.
Breast-ovarian cancer, familial, susceptibility to, 1 (BROVCA1). Also called: BRCA1 Hereditary Breast and Ovarian Cancer; OVARIAN CANCER, SUSCEPTIBILITY TO. Identifiers: Orphanet 145, MedGen C2676676, MONDO:0011450, OMIM 604370. Disease mechanism: loss of function.

Submissions (2):

Evidence-based Network for the Interpretation of Germline Mutant Alleles (ENIGMA)
Classification: Pathogenic for Breast-ovarian cancer, familial, susceptibility to, 1. Last evaluated: 2017-12-15. Review status: reviewed by expert panel. Criteria: ENIGMA BRCA1/2 Classification Criteria (2017-06-29). Collection method: curation. Allele origin: germline. Study: ENIGMA.
Comment: Variant allele predicted to encode a truncated non-functional protein.

Research Molecular Genetics Laboratory, Women's College Hospital, University of Toronto
Classification: Pathogenic for Hereditary breast ovarian cancer syndrome. Last evaluated: 2014-01-31. Review status: no assertion criteria provided. Collection method: research. Allele origin: germline. Affected: yes. Study: The Canadian Open Genetics Repository (COGR). Not counted in ClinVar's aggregate classification.